The following is an entry in ClinVar:

NM_004281.4(BAG3):c.679C>T (p.Gln227Ter)

Gene: BAG3 (BAG cochaperone 3; plus strand). Cytogenetic location: 10q26.11.
Variant type: single nucleotide variant.
Coding change: c.679C>T on transcript NM_004281.4 (MANE Select); coding-DNA position 679, C replaced by T.
Protein change: p.Gln227Ter; replaces glutamine 227 with a stop codon.
Molecular consequence: nonsense.
Genome position (GRCh38, 1-based): chr10:119,672,426, C>T. VCF-style: chr10-119672426-C-T. GRCh37 (hg19) VCF-style: chr10-121431938-C-T.
Other names: short protein forms Q227*.
Identifiers: ClinVar variation 3984822 (VCV003984822.1).
Genomic context (GRCh38, chr10:119,672,426, plus strand): 5'-TCCATTCCGGTGATACACGAGCAGAACGTTACCCGGCCAGCAGCCCAGCCCTCCTTCCAC[C>T]AAGCCCAGAAGACGCACTACCCAGCGCAGCAGGGGGAGTACCAGACCCACCAGCCTGTGT-3'

ClinVar aggregate classification (germline): Pathogenic (1 of 4 stars; one submission).

Conditions:
Cardiovascular phenotype. Identifiers: MedGen CN230736.

Submission:

Ambry Genetics
Classification: Pathogenic for Cardiovascular phenotype. Last evaluated: 2025-06-09. Review status: criteria provided, single submitter. Criteria: Ambry Variant Classification Scheme 2023. Collection method: clinical testing. Allele origin: germline.
Comment: The p.Q227* pathogenic mutation (also known as c.679C>T), located in coding exon 3 of the BAG3 gene, results from a C to T substitution at nucleotide position 679. This changes the amino acid from a glutamine to a stop codon within coding exon 3. This variant is considered to be rare based on population cohorts in the Genome Aggregation Database (gnomAD). This alteration is expected to result in loss of function by premature protein truncation or nonsense-mediated mRNA decay. As such, this alteration is interpreted as a disease-causing mutation.